The following is an entry in ClinVar:

NM_006059.4(LAMC3):c.3092T>G (p.Leu1031Arg)

Gene: LAMC3 (laminin subunit gamma 3; plus strand). Cytogenetic location: 9q34.12.
Variant type: single nucleotide variant.
Coding change: c.3092T>G on transcript NM_006059.4 (MANE Select); coding-DNA position 3092, T replaced by G.
Protein change: p.Leu1031Arg; replaces leucine 1031 with arginine.
Molecular consequence: missense variant.
Genome position (GRCh38, 1-based): chr9:131,071,506, T>G. VCF-style: chr9-131071506-T-G. GRCh37 (hg19) VCF-style: chr9-133946893-T-G.
Other names: short protein forms L1031R.
Identifiers: ClinVar variation 1476914 (VCV001476914.6), dbSNP rs532088641, ClinGen allele CA375256964.

ClinVar aggregate classification (germline): Uncertain significance (1 of 4 stars; one submission).

Submission:

Labcorp Genetics (formerly Invitae), Labcorp
Classification: Uncertain significance. Last evaluated: 2021-08-09. Review status: criteria provided, single submitter. Criteria: Invitae Variant Classification Sherloc (09022015). Collection method: clinical testing. Allele origin: germline.
Comment: Algorithms developed to predict the effect of missense changes on protein structure and function are either unavailable or do not agree on the potential impact of this missense change (SIFT: "Deleterious"; PolyPhen-2: "Probably Damaging"; Align-GVGD: "Class C0"). This variant has not been reported in the literature in individuals affected with LAMC3-related conditions. This variant is not present in population databases (ExAC no frequency). This sequence change replaces leucine with arginine at codon 1031 of the LAMC3 protein (p.Leu1031Arg). The leucine residue is moderately conserved and there is a moderate physicochemical difference between leucine and arginine. In summary, the available evidence is currently insufficient to determine the role of this variant in disease. Therefore, it has been classified as a Variant of Uncertain Significance.